The following is an entry in ClinVar:

ClinVar aggregate classification (germline): Benign (1 of 4 stars; one submission).

Conditions:
Polycystic liver disease 2 (PCLD2). Also called: Polycystic liver disease 2 with or without kidney cysts. Identifiers: Orphanet 2924, MedGen C4310769, MONDO:0014860, OMIM 617004.

Allele frequency attached by ClinVar (database versions not stated): TOPMed 0.00005; gnomAD 0.00026 and 0.00004; 1000 Genomes Project 30x 0.00234; 1000 Genomes Project 0.00220.

Submission:

Illumina Laboratory Services, Illumina
Classification: Benign for Polycystic liver disease 2. Last evaluated: 2018-01-13. Review status: criteria provided, single submitter. Criteria: ICSL Variant Classification Criteria 13 December 2019. Collection method: clinical testing. Allele origin: germline.
Comment: This variant was observed in the ICSL laboratory as part of a predisposition screen in an ostensibly healthy population. It had not been previously curated by ICSL or reported in the Human Gene Mutation Database (HGMD: prior to June 1st, 2018), and was therefore a candidate for classification through an automated scoring system. Utilizing variant allele frequency, disease prevalence and penetrance estimates, and inheritance mode, an automated score was calculated to assess if this variant is too frequent to cause the disease. Based on the score and internal cut-off values, a variant classified as benign is not then subjected to further curation. The score for this variant resulted in a classification of benign for this disease.

NM_007214.5(SEC63):c.*907C>T

Gene: SEC63 (SEC63 homolog, protein translocation regulator; minus strand). Cytogenetic location: 6q21.
Variant type: single nucleotide variant.
Coding change: c.*907C>T on transcript NM_007214.5 (MANE Select); 907 bases downstream of the stop codon, C replaced by T.
Molecular consequence: 3 prime UTR variant.
Genome position (GRCh38, 1-based): chr6:107,870,797, G>A on the plus strand (C>T on the coding strand, the complement: SEC63 is on the minus strand). VCF-style: chr6-107870797-G-A. GRCh37 (hg19) VCF-style: chr6-108192001-G-A.
Identifiers: ClinVar variation 354878 (VCV000354878.5), dbSNP rs571893658, ClinGen allele CA10621160.